The following is an entry in ClinVar:

NM_016139.4(CHCHD2):c.182C>T (p.Thr61Ile)

Gene: CHCHD2 (coiled-coil-helix-coiled-coil-helix domain containing 2; minus strand). Cytogenetic location: 7p11.2.
Variant type: single nucleotide variant.
Coding change: c.182C>T on transcript NM_016139.4 (MANE Select); coding-DNA position 182, C replaced by T.
Protein change: p.Thr61Ile; replaces threonine 61 with isoleucine.
Molecular consequence: missense variant.
Genome position (GRCh38, 1-based): chr7:56,104,344, G>A on the plus strand (C>T on the coding strand, the complement: CHCHD2 is on the minus strand). VCF-style: chr7-56104344-G-A. GRCh37 (hg19) VCF-style: chr7-56172037-G-A.
Other names: c.182C>T, p.Thr61Ile (NM_001320327.2); short protein forms T61I.
Identifiers: ClinVar variation 218882 (VCV000218882.5), dbSNP rs864309650, ClinGen allele CA278758.

ClinVar aggregate classification (germline): Pathogenic. Review status: criteria provided, single submitter (1 of 4 stars). 2 submissions from 2 submitters: Pathogenic (1). 1 of the submissions does not count toward it. Last evaluated 2023-04-17.

Conditions:
Parkinson disease 22, autosomal dominant (PARK22). Identifiers: MedGen C4225238, MONDO:0014742, OMIM 616710.

Submissions (2):

Labcorp Genetics (formerly Invitae), Labcorp
Classification: Pathogenic. Last evaluated: 2023-04-17. Review status: criteria provided, single submitter. Criteria: Invitae Variant Classification Sherloc (09022015). Collection method: clinical testing. Allele origin: germline.
Comment: For these reasons, this variant has been classified as Pathogenic. Experimental studies have shown that this missense change affects CHCHD2 function (PMID: 28432706, 30530185, 31600778, 32068847). An algorithm developed to predict the effect of missense changes on protein structure and function (PolyPhen-2) suggests that this variant is likely to be disruptive. ClinVar contains an entry for this variant (Variation ID: 218882). This missense change has been observed in individual(s) with autosomal dominant Parkinson disease (PMID: 25662902, 35402650). It has also been observed to segregate with disease in related individuals. This variant is not present in population databases (gnomAD no frequency). This sequence change replaces threonine, which is neutral and polar, with isoleucine, which is neutral and non-polar, at codon 61 of the CHCHD2 protein (p.Thr61Ile).

OMIM
Classification: Pathogenic for PARKINSON DISEASE 22, AUTOSOMAL DOMINANT. Last evaluated: 2015-07-01. Review status: no assertion criteria provided. Collection method: literature only. Allele origin: germline. Not counted in ClinVar's aggregate classification.

Literature cited by the submitters: PubMed 28432706 (cited by Labcorp Genetics (formerly Invitae), Labcorp); PubMed 30530185 (cited by Labcorp Genetics (formerly Invitae), Labcorp); PubMed 31600778 (cited by Labcorp Genetics (formerly Invitae), Labcorp); PubMed 32068847 (cited by Labcorp Genetics (formerly Invitae), Labcorp and OMIM); PubMed 25662902 (cited by Labcorp Genetics (formerly Invitae), Labcorp and OMIM); PubMed 35402650 (cited by Labcorp Genetics (formerly Invitae), Labcorp); PubMed 26067113 (cited by OMIM).